The following is an entry in ClinVar:

ClinVar aggregate classification (germline): Likely benign (1 of 4 stars; one submission).

gnomAD v4.1: 100 of 1,613,772 alleles (0.0062%); highest among the groups gnomAD compares: Middle Eastern, 0.033%; no homozygotes.

Submission:

CeGaT Center for Human Genetics Tuebingen
Classification: Likely benign. Last evaluated: 2026-01-01. Review status: criteria provided, single submitter. Criteria: CeGaT Center For Human Genetics Tuebingen Variant Classification Criteria Version 2. Collection method: clinical testing. Allele origin: germline. Affected: yes. Observed: 1 variant allele.
Comment: ARFGEF1: BP4

NM_006421.5(ARFGEF1):c.1073T>C (p.Ile358Thr)

Gene: ARFGEF1 (ARF guanine nucleotide exchange factor 1; minus strand). Cytogenetic location: 8q13.2.
Variant type: single nucleotide variant.
Coding change: c.1073T>C on transcript NM_006421.5 (MANE Select); coding-DNA position 1073, T replaced by C.
Protein change: p.Ile358Thr; replaces isoleucine 358 with threonine.
Molecular consequence: missense variant. On other transcripts: non-coding transcript variant (1), intron variant (1).
Genome position (GRCh38, 1-based): chr8:67,277,412, A>G on the plus strand (T>C on the coding strand, the complement: ARFGEF1 is on the minus strand). VCF-style: chr8-67277412-A-G. GRCh37 (hg19) VCF-style: chr8-68189647-A-G.
Other names: c.1073T>C, p.Ile358Thr (NM_001413184.1, NM_001413185.1, NM_001413186.1 and 7 more transcripts); c.-88-5476T>C (NM_001413196.1); c.473T>C, p.Ile158Thr (NM_001413188.1, NM_001413193.1, NM_001413197.1); short protein forms I158T, I358T.
Identifiers: ClinVar variation 4821168 (VCV004821168.4).